The following is an entry in ClinVar:

NM_002448.3(MSX1):c.910_911dup (p.Ter304TyrextTer?)

Gene: MSX1 (msh homeobox 1; plus strand). Cytogenetic location: 4p16.2.
Variant type: Duplication.
Coding change: c.910_911dup on transcript NM_002448.3 (MANE Select); coding-DNA positions 910 to 911, 2 bases duplicated (TA; older notation c.910_911dupTA).
Protein change: p.Ter304TyrextTer?.
Molecular consequence: frameshift variant, stop lost.
Genome position (GRCh38, 1-based): chr4:4,863,141-4,863,142, TA duplicated; duplicating any 2 consecutive bases within chr4:4,863,140-4,863,142 gives the same sequence; the c. name uses the placement nearest the transcript's 3' end. VCF-style (leftmost placement, unchanged base first): chr4-4863139-C-CAT. GRCh37 (hg19) VCF-style: chr4-4864866-C-CAT.
Identifiers: ClinVar variation 127273 (VCV000127273.3), dbSNP rs515726227, ClinGen allele CA280909.
Genomic context (GRCh38, chr4:4,863,139, plus strand): 5'-TGCCTGTGGCGCCCGTGGGACTCTACACGGCCCATGTGGGCTACAGCATGTACCACCTGA[C>CAT]ATAGAGGGTCCCAGGTCGCCCACCTGTGGGCCAGCCGATTCCTCCAGCCCTGGTGCTGTA-3'

ClinVar aggregate classification (germline): Pathogenic (0 of 4 stars; one submission).

Conditions:
Tooth agenesis, selective, 1. Also called: HYPODONTIA/OLIGODONTIA 1; SECOND PREMOLARS AND THIRD MOLARS, ABSENCE OF. Identifiers: Orphanet 99798, MedGen C3489529, MONDO:0007129, OMIM 106600. Disease mechanism: loss of function.

Submission:

Department of Prosthodontics, Peking University School and Hospital of Stomatology
Classification: Pathogenic for Partial congenital absence of teeth. Last evaluated: 2014-01-13. Review status: no assertion criteria provided. Collection method: research. Allele origin: germline. Affected: yes. Observed: 2 variant alleles. Study: Etiological Studies of Tooth Agenesis.
Comment: This is a novel heterozygous non-stop mutation (c.910_911dupTA, p.*304Tyrext*48) in the stop codon of MSX1 gene. In vitro study found that mutant MSX1 could be expressed but had lost its ability to enter the nucleus, whereas the wild-type MSX1 protein was located exclusively in the nucleus.

Literature cited by the submitters: PubMed 24914010; PubMed 8696335.